The following is an entry in ClinVar:

ClinVar aggregate classification (germline): Uncertain significance (1 of 4 stars; one submission).

gnomAD v4.1: 3 of 1,614,176 alleles (0.00019%); highest among the groups gnomAD compares: South Asian, 0.0011%; no homozygotes.

Submission:

Labcorp Genetics (formerly Invitae), Labcorp
Classification: Uncertain significance. Last evaluated: 2024-02-08. Review status: criteria provided, single submitter. Criteria: Invitae Variant Classification Sherloc (09022015). Collection method: clinical testing. Allele origin: germline.
Comment: This sequence change replaces tyrosine, which is neutral and polar, with histidine, which is basic and polar, at codon 1293 of the ERBIN protein (p.Tyr1293His). This variant is not present in population databases (gnomAD no frequency). This variant has not been reported in the literature in individuals affected with ERBIN-related conditions. An algorithm developed to predict the effect of missense changes on protein structure and function (PolyPhen-2) suggests that this variant is likely to be disruptive. In summary, the available evidence is currently insufficient to determine the role of this variant in disease. Therefore, it has been classified as a Variant of Uncertain Significance.

NM_001253697.2(ERBIN):c.3877T>C (p.Tyr1293His)

Gene: ERBIN (erbb2 interacting protein; plus strand). Cytogenetic location: 5q12.3.
Variant type: single nucleotide variant.
Coding change: c.3877T>C on transcript NM_001253697.2 (MANE Select); coding-DNA position 3877, T replaced by C.
Protein change: p.Tyr1293His; replaces tyrosine 1293 with histidine.
Molecular consequence: missense variant. On other transcripts: intron variant (1).
Genome position (GRCh38, 1-based): chr5:66,075,144, T>C. VCF-style: chr5-66075144-T-C. GRCh37 (hg19) VCF-style: chr5-65370972-T-C.
Other names: c.3898T>C, p.Tyr1300His (NM_001253699.2); c.3742T>C, p.Tyr1248His (NM_001253701.2); c.3754T>C, p.Tyr1252His (NM_018695.4, NM_001253698.2); c.3634-1172T>C (NM_001006600.3); short protein forms Y1248H, Y1293H, Y1300H, Y1252H.
Identifiers: ClinVar variation 3685515 (VCV003685515.2).